The following is an entry in ClinVar:

ClinVar aggregate classification (germline): Uncertain significance (1 of 4 stars; one submission).

Allele frequency attached by ClinVar (database versions not stated): gnomAD exomes below 0.00001.
gnomAD v4.1: 3 of 1,613,918 alleles (0.00019%); highest among the groups gnomAD compares: Non-Finnish European, 0.00025%; no homozygotes.

Submission:

GeneDx
Classification: Uncertain significance. Last evaluated: 2024-12-27. Review status: criteria provided, single submitter. Criteria: GeneDx Variant Classification Process June 2021. Collection method: clinical testing. Allele origin: germline.
Comment: Not observed at significant frequency in large population cohorts (gnomAD); In silico analysis supports that this missense variant has a deleterious effect on protein structure/function; Has not been previously published as pathogenic or benign to our knowledge

NM_000016.6(ACADM):c.350C>T (p.Thr117Ile)

Gene: ACADM (acyl-CoA dehydrogenase medium chain; plus strand). Cytogenetic location: 1p31.1.
Variant type: single nucleotide variant.
Coding change: c.350C>T on transcript NM_000016.6 (MANE Select); coding-DNA position 350, C replaced by T.
Protein change: p.Thr117Ile; replaces threonine 117 with isoleucine.
Molecular consequence: missense variant. On other transcripts: intron variant (1).
Genome position (GRCh38, 1-based): chr1:75,733,591, C>T. VCF-style: chr1-75733591-C-T. GRCh37 (hg19) VCF-style: chr1-76199276-C-T.
Other names: c.362C>T, p.Thr121Ile (NM_001127328.3); c.242C>T, p.Thr81Ile (NM_001286042.2); c.449C>T, p.Thr150Ile (NM_001286043.2); c.-100+669C>T (NM_001286044.2); short protein forms T117I, T121I, T150I, T81I.
Identifiers: ClinVar variation 1707953 (VCV001707953.3), dbSNP rs2525578386, ClinGen allele CA340812384.